The following is an entry in ClinVar:

NC_000009.11:g.(?_379751)_(379955_?)del

Gene: DOCK8 (dedicator of cytokinesis 8; plus strand). Cytogenetic location: 9p24.3.
Variant type: Deletion.
Identifiers: ClinVar variation 1412998 (VCV001412998.8).

ClinVar aggregate classification (germline): Uncertain significance (1 of 4 stars; one submission).

Conditions:
Hyper-IgE recurrent infection syndrome 3, autosomal recessive. Also called: Autosomal recessive hyper-IgE syndrome due to ZNF341 deficiency; HYPER-IgE SYNDROME 3, AUTOSOMAL RECESSIVE, WITH RECURRENT INFECTIONS. Identifiers: Orphanet 641368, MedGen C4748969, MONDO:0032654, OMIM 618282.

Submission:

Labcorp Genetics (formerly Invitae), Labcorp
Classification: Uncertain significance for Combined immunodeficiency due to DOCK8 deficiency. Last evaluated: 2021-07-17. Review status: criteria provided, single submitter. Criteria: Invitae Variant Classification Sherloc (09022015). Collection method: clinical testing. Allele origin: germline.
Comment: In summary, the available evidence is currently insufficient to determine the role of this variant in disease. Therefore, it has been classified as a Variant of Uncertain Significance. Experimental studies and prediction algorithms are not available or were not evaluated, and the functional significance of this variant is currently unknown. This variant has not been reported in the literature in individuals affected with DOCK8-related conditions. This variant is a gross deletion of the genomic region encompassing exon(s) 21 of the DOCK8 gene. This variant would be expected to be in-frame, preserving the integrity of the reading frame.